The following is an entry in ClinVar:

ClinVar aggregate classification (germline): Pathogenic/Likely pathogenic. Review status: criteria provided, multiple submitters, no conflicts (2 of 4 stars). 2 submissions from 2 submitters: Pathogenic (1); Likely pathogenic (1). Last evaluated 2024-09-20.

Conditions:
Developmental and epileptic encephalopathy, 28 (DEE28). Also called: Epileptic encephalopathy, early infantile, 28. Identifiers: Orphanet 442835, MedGen C4015519, MONDO:0014533, OMIM 616211.
Abnormality of the nervous system. Also called: Congenital nervous system disorder. Identifiers: MedGen C0497552, MONDO:0002320, HP:0000707.

gnomAD v4.1: 3 of 1,614,160 alleles (0.00019%); highest among the groups gnomAD compares: Non-Finnish European, 0.00025%; no homozygotes.

Submissions (2):

Kids Research, The Children's Hospital at Westmead
Classification: Pathogenic for Developmental and epileptic encephalopathy, 28. Last evaluated: 2024-09-20. Review status: criteria provided, single submitter. Criteria: ACMG Guidelines, 2015. Collection method: research. Allele origin: germline. Affected: yes.
Comment: PVS1, PM2, PS1

Kariminejad - Najmabadi Pathology & Genetics Center
Classification: Likely pathogenic for Abnormality of the nervous system. Last evaluated: 2021-07-10. Review status: criteria provided, single submitter. Criteria: ACMG Guidelines, 2015. Collection method: clinical testing. Allele origin: germline. Affected: yes.

NM_016373.4(WWOX):c.321C>A (p.Tyr107Ter)

Gene: WWOX (WW domain containing oxidoreductase; plus strand). Cytogenetic location: 16q23.1.
Variant type: single nucleotide variant.
Coding change: c.321C>A on transcript NM_016373.4 (MANE Select); coding-DNA position 321, C replaced by A.
Protein change: p.Tyr107Ter; replaces tyrosine 107 with a stop codon.
Molecular consequence: nonsense. On other transcripts: 5 prime UTR variant (1), non-coding transcript variant (1).
Genome position (GRCh38, 1-based): chr16:78,115,066, C>A. VCF-style: chr16-78115066-C-A. GRCh37 (hg19) VCF-style: chr16-78148963-C-A.
Other names: c.-19C>A (NM_001291997.2); c.321C>A, p.Tyr107Ter (NM_130791.5); short protein forms Y107*.
Identifiers: ClinVar variation 1180630 (VCV001180630.2), dbSNP rs373306276, ClinGen allele CA396842464.